The following is an entry in ClinVar:

ClinVar aggregate classification (germline): Likely benign. Review status: criteria provided, single submitter (1 of 4 stars). 2 submissions from 2 submitters: Likely benign (1). 1 of the submissions does not count toward it. Last evaluated 2025-04-07.

Conditions:
Inborn genetic diseases. Identifiers: MedGen C0950123, MeSH D030342.
DNMT3A-related disorder. Also called: DNMT3A-related condition; DNMT3A-related disorders.

Allele frequency attached by ClinVar (database versions not stated): ExAC 0.00002; gnomAD 0.00001.
gnomAD v4.1: 10 of 1,613,222 alleles (0.00062%); no homozygotes.

Submissions (2):

Ambry Genetics
Classification: Likely benign for Inborn genetic diseases. Last evaluated: 2025-04-07. Review status: criteria provided, single submitter. Criteria: Ambry Variant Classification Scheme 2023. Collection method: clinical testing. Allele origin: germline.

PreventionGenetics, part of Exact Sciences
Classification: Likely benign for DNMT3A-related condition. Last evaluated: 2019-07-30. Review status: no assertion criteria provided. Collection method: clinical testing. Allele origin: germline. Not counted in ClinVar's aggregate classification.
Comment: This variant is classified as likely benign based on ACMG/AMP sequence variant interpretation guidelines (Richards et al. 2015 PMID: 25741868, with internal and published modifications).

NM_022552.5(DNMT3A):c.795G>T (p.Val265=)

Gene: DNMT3A (DNA methyltransferase 3 alpha; minus strand). Cytogenetic location: 2p23.3.
Variant type: single nucleotide variant.
Coding change: c.795G>T on transcript NM_022552.5 (MANE Select); coding-DNA position 795, G replaced by T.
Protein change: p.Val265=; no amino-acid change (valine 265 retained).
Molecular consequence: synonymous variant. On other transcripts: non-coding transcript variant (1).
Genome position (GRCh38, 1-based): chr2:25,248,097, C>A on the plus strand (G>T on the coding strand, the complement: DNMT3A is on the minus strand). VCF-style: chr2-25248097-C-A. GRCh37 (hg19) VCF-style: chr2-25470966-C-A.
Other names: c.339G>T, p.Val113= (NM_001320893.1); c.126G>T, p.Val42= (NM_001375819.1); c.228G>T, p.Val76= (NM_153759.3); c.795G>T, p.Val265= (NM_175629.2); c.795G>T (NM_022552.3).
Identifiers: ClinVar variation 3034674 (VCV003034674.3), dbSNP rs753460571, ClinGen allele CA1556296.